The following is an entry in ClinVar:

ClinVar aggregate classification (germline): Uncertain significance (1 of 4 stars; one submission).

Conditions:
Oligosynaptic infertility (SPGF1). Also called: SPERMATOGENIC FAILURE 1; OLIGOCHIASMATIC INFERTILITY. Identifiers: MedGen C0403810, MONDO:0009776, OMIM 258150.
46 XY differences of sex development. Also called: 46, XY disorder of sex development (DSD); 46,XY disorder of sex development. Identifiers: Orphanet 98085, MedGen C2751824, MONDO:0020040.

Submission:

Labcorp Genetics (formerly Invitae), Labcorp
Classification: Uncertain significance for 46 XY differences of sex development; Oligosynaptic infertility. Last evaluated: 2022-07-09. Review status: criteria provided, single submitter. Criteria: Invitae Variant Classification Sherloc (09022015). Collection method: clinical testing. Allele origin: germline.
Comment: This sequence change replaces glutamic acid, which is acidic and polar, with glutamine, which is neutral and polar, at codon 367 of the NR5A1 protein (p.Glu367Gln). This variant is not present in population databases (gnomAD no frequency). This missense change has been observed in individual(s) with disorders of sex development (Invitae). Algorithms developed to predict the effect of missense changes on protein structure and function (SIFT, PolyPhen-2, Align-GVGD) all suggest that this variant is likely to be disruptive. This variant disrupts the p.Glu367 amino acid residue in NR5A1. Other variant(s) that disrupt this residue have been observed in individuals with NR5A1-related conditions (PMID: 29582157), which suggests that this may be a clinically significant amino acid residue. In summary, the available evidence is currently insufficient to determine the role of this variant in disease. Therefore, it has been classified as a Variant of Uncertain Significance.

Literature cited by the submitters: PubMed 29582157.

NM_004959.5(NR5A1):c.1099G>C (p.Glu367Gln)

Gene: NR5A1 (nuclear receptor subfamily 5 group A member 1; minus strand). Cytogenetic location: 9q33.3.
Variant type: single nucleotide variant.
Coding change: c.1099G>C on transcript NM_004959.5 (MANE Select); coding-DNA position 1099, G replaced by C.
Protein change: p.Glu367Gln; replaces glutamic acid 367 with glutamine.
Molecular consequence: missense variant.
Genome position (GRCh38, 1-based): chr9:124,491,120, C>G on the plus strand (G>C on the coding strand, the complement: NR5A1 is on the minus strand). VCF-style: chr9-124491120-C-G. GRCh37 (hg19) VCF-style: chr9-127253399-C-G.
Other names: short protein forms E367Q.
Identifiers: ClinVar variation 1948315 (VCV001948315.5), dbSNP rs2538674057, ClinGen allele CA374880550.